The following is an entry in ClinVar:

ClinVar aggregate classification (germline): Uncertain significance (1 of 4 stars; one submission).

Conditions:
Monocytopenia with susceptibility to infections. Also called: MONOCYTOPENIA AND MYCOBACTERIAL INFECTION SYNDROME; MONOCYTOPENIA WITH SUSCEPTIBILITY TO MYCOBACTERIAL, FUNGAL, AND PAPILLOMAVIRUS INFECTIONS AND MYELODYSPLASIA; COMBINED IMMUNODEFICIENCY WITH SUSCEPTIBILITY TO MYCOBACTERIAL, VIRAL, AND FUNGAL INFECTIONS; Dendritic cell, monocyte, B lymphocyte, and natural killer lymphocyte deficiency; IMMUNODEFICIENCY 21; GATA2 DEFICIENCY. Identifiers: Orphanet 228423, MedGen C3280030, MONDO:0013607, OMIM 614172.
Deafness-lymphedema-leukemia syndrome. Also called: Lymphedema, primary, with myelodysplasia; Emberger syndrome. Identifiers: Orphanet 3226, MedGen C3279664, MONDO:0013540, OMIM 614038.

Allele frequency attached by ClinVar (database versions not stated): ExAC 0.00001.
gnomAD v4.1: 1 of 1,613,164 alleles (0.000062%); highest among the groups gnomAD compares: Admixed American, 0.0017%; no homozygotes.

Submission:

Labcorp Genetics (formerly Invitae), Labcorp
Classification: Uncertain significance for Monocytopenia with susceptibility to infections; Deafness-lymphedema-leukemia syndrome. Last evaluated: 2023-03-07. Review status: criteria provided, single submitter. Criteria: Invitae Variant Classification Sherloc (09022015). Collection method: clinical testing. Allele origin: germline.
Comment: This sequence change replaces serine, which is neutral and polar, with tryptophan, which is neutral and slightly polar, at codon 340 of the GATA2 protein (p.Ser340Trp). The frequency data for this variant in the population databases is considered unreliable, as metrics indicate poor data quality at this position in the gnomAD database. This variant has not been reported in the literature in individuals affected with GATA2-related conditions. An algorithm developed to predict the effect of missense changes on protein structure and function (PolyPhen-2) suggests that this variant is likely to be disruptive. In summary, the available evidence is currently insufficient to determine the role of this variant in disease. Therefore, it has been classified as a Variant of Uncertain Significance.

NM_032638.5(GATA2):c.1019C>G (p.Ser340Trp)

Gene: GATA2 (GATA binding protein 2; minus strand). Cytogenetic location: 3q21.3.
Variant type: single nucleotide variant.
Coding change: c.1019C>G on transcript NM_032638.5 (MANE Select); coding-DNA position 1019, C replaced by G.
Protein change: p.Ser340Trp; replaces serine 340 with tryptophan.
Molecular consequence: missense variant. On other transcripts: intron variant (1).
Genome position (GRCh38, 1-based): chr3:128,481,943, G>C on the plus strand (C>G on the coding strand, the complement: GATA2 is on the minus strand). VCF-style: chr3-128481943-G-C. GRCh37 (hg19) VCF-style: chr3-128200786-G-C.
Other names: c.1019C>G, p.Ser340Trp (NM_001145661.2); c.1018-41C>G (NM_001145662.1); short protein forms S340W.
Identifiers: ClinVar variation 2936566 (VCV002936566.3), dbSNP rs745439347, ClinGen allele CA2599882.
Genomic context (GRCh38, chr3:128,481,943, plus strand): 5'-CATAAGGTGGTGGTTGTCGTCTGACAATTTGCACAACAGGTGCCGGCTCTTCTGGCGGCC[G>C]ACTGGGAGGGCAAGGCAGCGTCAGCAGGCTGGACTCCCACGCCCACCTCGACCCCCCTCC-3'
Protein context (NP_116027.2, residues 330-350): RPLIKPKRRL[Ser340Trp]AARRAGTCCA